The following is an entry in ClinVar:

NM_002439.5(MSH3):c.2422C>T (p.Leu808Phe)

Gene: MSH3 (mutS homolog 3; plus strand). Cytogenetic location: 5q14.1.
Variant type: single nucleotide variant.
Coding change: c.2422C>T on transcript NM_002439.5 (MANE Select); coding-DNA position 2422, C replaced by T.
Protein change: p.Leu808Phe; replaces leucine 808 with phenylalanine.
Molecular consequence: missense variant.
Genome position (GRCh38, 1-based): chr5:80,778,823, C>T. VCF-style: chr5-80778823-C-T. GRCh37 (hg19) VCF-style: chr5-80074642-C-T.
Other names: short protein forms L808F.
Identifiers: ClinVar variation 952203 (VCV000952203.9), dbSNP rs1744356314, ClinGen allele CA360281917.
Genomic context (GRCh38, chr5:80,778,823, plus strand): 5'-AATTACAGACATCTGAATCAGCTCCGGGAGCAGCTAGTCCTTGACTGCAGTGCTGAATGG[C>T]TTGATTTTCTAGAGTGAGTTTACAATGAAAAAATATAATCTGACTTTTTGCTATCAGAAA-3'
Protein context (NP_002430.3, residues 798-818): QLVLDCSAEW[Leu808Phe]DFLEKFSEHY

ClinVar aggregate classification (germline): Uncertain significance (1 of 4 stars; one submission).

Submission:

Labcorp Genetics (formerly Invitae), Labcorp
Classification: Uncertain significance. Last evaluated: 2021-02-13. Review status: criteria provided, single submitter. Criteria: Invitae Variant Classification Sherloc (09022015). Collection method: clinical testing. Allele origin: germline.
Comment: In summary, the available evidence is currently insufficient to determine the role of this variant in disease. Therefore, it has been classified as a Variant of Uncertain Significance. Algorithms developed to predict the effect of sequence changes on RNA splicing suggest that this variant may create or strengthen a splice site, but this prediction has not been confirmed by published transcriptional studies. Algorithms developed to predict the effect of missense changes on protein structure and function are either unavailable or do not agree on the potential impact of this missense change (SIFT: "Tolerated"; PolyPhen-2: "Probably Damaging"; Align-GVGD: "Class C0"). This variant has not been reported in the literature in individuals with MSH3-related conditions. This variant is not present in population databases (ExAC no frequency). This sequence change replaces leucine with phenylalanine at codon 808 of the MSH3 protein (p.Leu808Phe). The leucine residue is moderately conserved and there is a small physicochemical difference between leucine and phenylalanine.